The following is an entry in ClinVar:

NM_024408.4(NOTCH2):c.3769G>T (p.Ala1257Ser)

Gene: NOTCH2 (notch receptor 2; minus strand). Cytogenetic location: 1p12.
Variant type: single nucleotide variant.
Coding change: c.3769G>T on transcript NM_024408.4 (MANE Select); coding-DNA position 3769, G replaced by T.
Protein change: p.Ala1257Ser; replaces alanine 1257 with serine.
Molecular consequence: missense variant.
Genome position (GRCh38, 1-based): chr1:119,929,099, C>A on the plus strand (G>T on the coding strand, the complement: NOTCH2 is on the minus strand). VCF-style: chr1-119929099-C-A. GRCh37 (hg19) VCF-style: chr1-120471722-C-A.
Other names: short protein forms A1257S.
Identifiers: ClinVar variation 4811367 (VCV004811367.1).
Genomic context (GRCh38, chr1:119,929,099, plus strand): 5'-CCTCAGAGCTGCAGGGGTTGGAGAGGCACTCGTTGATGTCTCCCTCACAACGCTCCCCAG[C>A]AAAGCCAGGCAAGCAGCGACAACTGTAGCCTCCAATCCTATCCATGCACTGACCACCATT-3'
Protein context (NP_077719.2, residues 1247-1267): GYSCRCLPGF[Ala1257Ser]GERCEGDINE

ClinVar aggregate classification (germline): Uncertain significance (1 of 4 stars; one submission).

Conditions:
Hajdu-Cheney syndrome (HJCYS). Also called: SERPENTINE FIBULA-POLYCYSTIC KIDNEY SYNDROME; Acroosteolysis dominant type; ACROOSTEOLYSIS WITH OSTEOPOROSIS AND CHANGES IN SKULL AND MANDIBLE. Identifiers: Orphanet 955, MedGen C0917715, MONDO:0007057, OMIM 102500.

gnomAD v4.1: 9 of 1,614,092 alleles (0.00056%); highest among the groups gnomAD compares: Non-Finnish European, 0.00059%; no homozygotes.

Submission:

Labcorp Genetics (formerly Invitae), Labcorp
Classification: Uncertain significance for Hajdu-Cheney syndrome. Last evaluated: 2025-12-03. Review status: criteria provided, single submitter. Criteria: Invitae Variant Classification Sherloc (09022015). Collection method: clinical testing. Allele origin: germline.
Comment: This sequence change replaces alanine, which is neutral and non-polar, with serine, which is neutral and polar, at codon 1257 of the NOTCH2 protein (p.Ala1257Ser). This variant is present in population databases (no rsID available, gnomAD 0.007%). This variant has not been reported in the literature in individuals affected with NOTCH2-related conditions. Invitae Evidence Modeling of protein sequence and biophysical properties (such as structural, functional, and spatial information, amino acid conservation, physicochemical variation, residue mobility, and thermodynamic stability) indicates that this missense variant is not expected to disrupt NOTCH2 protein function with a negative predictive value of 80%. In summary, the available evidence is currently insufficient to determine the role of this variant in disease. Therefore, it has been classified as a Variant of Uncertain Significance.